The following is an entry in ClinVar:

ClinVar aggregate classification (germline): Pathogenic. Review status: criteria provided, multiple submitters, no conflicts (2 of 4 stars). 11 submissions from 11 submitters: Pathogenic (9). 2 of the submissions do not count toward it. Last evaluated 2026-06-15.

Conditions:
SLC25A15-related disorder. Also called: SLC25A15-related condition.
Hyperornithinemia-hyperammonemia-homocitrullinuria syndrome (HHHS). Also called: HHH SYNDROME; Ornithine translocase deficiency. Identifiers: Orphanet 415, MedGen C0268540, MONDO:0009393, OMIM 238970.

Allele frequency attached by ClinVar (database versions not stated): ExAC 0.00005; gnomAD exomes 0.00001 and 0.00007; 1000 Genomes Project 30x 0.00016; gnomAD 0.00003 and 0.00005; TOPMed 0.00002; 1000 Genomes Project 0.00020.

Submissions (11):

Rare Disease Center, Seoul National University Hospital
Classification: Pathogenic for Hyperornithinemia-hyperammonemia-homocitrullinuria syndrome. Last evaluated: 2026-06-15. Review status: criteria provided, single submitter. Criteria: ACMG Guidelines, 2015. Collection method: research. Allele origin: paternal. Inheritance: Autosomal recessive inheritance. Affected: yes.
Comment: A null (nonsense) variant is predicted to result in nonsense-mediated mRNA decay (NMD), matching the established disease mechanism of loss-of-function (PVS1). This variant is classified as Pathogenic in ClinVar (PS3). Furthermore, for this autosomal recessive (AR) gene, the gnomAD genomes homozygous allele count is 0 (fewer than 2) with adequate coverage (31.2), and the gnomAD exomes homozygous allele count is also 0 (fewer than 2) with adequate coverage (44.2), satisfying PM2.

This variant is found as compound heterozygote with the variant submitted on row 10.

Dasa
Classification: Pathogenic. Last evaluated: 2026-04-16. Review status: criteria provided, single submitter. Criteria: DASA Assertion Criteria. Collection method: clinical testing. Allele origin: germline.
Comment: NM_014252.4(SLC25A15):c.535C>T (p.Arg179*) introduces a premature termination codon predicted to result in loss of normal protein function. Loss-of-function is an established mechanism of disease for this gene. This variant has been observed in affected individuals with related phenotype in a genotype context consistent with recessive disease (PMID: 40665309; PMID: 11355015; PMID: 19242930; PMID: 10805333; PMID: 12807890). This variant has been recurrently observed in individuals with related phenotype (PMID: 40665309; PMID: 11355015; PMID: 19242930; PMID: 10805333; PMID: 12807890). The variant is present at low frequency in population datasets. Based on the available data, this variant is classified as pathogenic.

Labcorp Genetics (formerly Invitae), Labcorp
Classification: Pathogenic for Hyperornithinemia-hyperammonemia-homocitrullinuria syndrome. Last evaluated: 2026-01-27. Review status: criteria provided, single submitter. Criteria: Invitae Variant Classification Sherloc (09022015). Collection method: clinical testing. Allele origin: germline.
Comment: This sequence change creates a premature translational stop signal (p.Arg179*) in the SLC25A15 gene. It is expected to result in an absent or disrupted protein product. Loss-of-function variants in SLC25A15 are known to be pathogenic (PMID: 11552031, 19242930). This variant is present in population databases (rs104894429, gnomAD 0.06%). This premature translational stop signal has been observed in individuals with hyperornithinemia-hyperammonemia-homocitrullinuria syndrome (PMID: 10805333, 11355015, 12807890, 19242930, 24473688). It has also been observed to segregate with disease in related individuals. ClinVar contains an entry for this variant (Variation ID: 5994). Algorithms developed to predict the effect of sequence changes on RNA splicing suggest that this variant may disrupt the consensus splice site. For these reasons, this variant has been classified as Pathogenic.

Genesolutions, Medical Genetics Institutes, Ho Chi Minh City, Vietnam
Classification: Pathogenic for Hyperornithinemia-hyperammonemia-homocitrullinuria syndrome. Last evaluated: 2025-09-24. Review status: criteria provided, single submitter. Criteria: ACMG Guidelines, 2015. Collection method: clinical testing. Allele origin: germline. Affected: yes.

Natera, Inc.
Classification: Pathogenic for Hyperornithinemia-hyperammonemia-homocitrullinuria syndrome. Last evaluated: 2025-09-02. Review status: criteria provided, single submitter. Criteria: Natera Variant Classification Schema (03/2026). Collection method: clinical testing. Allele origin: germline.
Comment: The c.535C>T variant in SLC25A15 is a nonsense variant predicted to introduce a stop codon at amino acid 179. This variant is expected to result in nonsense mediated decay, truncation, or a dysfunctional protein product. This variant is rare in the general population with a frequency below the threshold expected for the associated phenotype(s). This variant has been observed in one or more individuals affected with the associated recessive disease, as either homozygous or compound heterozygous with a second variant (PMID: 24473688). Additionally, this variant has been observed to segregate in affected family members (PMID: 24473688). Given the available evidence, this variant is classified as Pathogenic.

Department of Neurology, Zibo Changguo Hospital
Classification: Pathogenic for Hyperornithinemia-hyperammonemia-homocitrullinuria syndrome. Last evaluated: 2025-01-10. Review status: criteria provided, single submitter. Criteria: ACMG Guidelines, 2015. Collection method: clinical testing. Allele origin: maternal. Inheritance: Autosomal recessive inheritance. Affected: yes. Observed: 1 compound heterozygote.
Comment: PVS1, PS3, PM3_Strong, PM2_Supporting, PP4

Fulgent Genetics
Classification: Pathogenic for Hyperornithinemia-hyperammonemia-homocitrullinuria syndrome. Last evaluated: 2024-05-03. Review status: criteria provided, single submitter. Criteria: ACMG Guidelines, 2015. Collection method: clinical testing. Allele origin: germline.

PreventionGenetics, part of Exact Sciences
Classification: Pathogenic for SLC25A15-related condition. Last evaluated: 2022-10-13. Review status: criteria provided, single submitter. Criteria: ACMG Guidelines, 2015. Collection method: clinical testing. Allele origin: germline.
Comment: The SLC25A15 c.535C>T variant is predicted to result in premature protein termination (p.Arg179*). This variant has been reported in individuals with hyperornithinemia-hyperammonemia-homocitrullinemia (HHH) syndrome (Tsujino et al. 2000. PubMed ID: 10805333; Miyamoto et al. 2001. PubMed ID: 11355015). Functional studies have shown that this variant results in a truncated protein when exogenously expressed and that this protein is biochemically non-functional (Fiermonte et al. 2003. PubMed ID: 12807890). This variant is reported in 0.065% of alleles in individuals of East Asian descent in gnomAD. Nonsense variants in SLC25A15 are expected to be pathogenic, and this variant has been classified as pathogenic by multiple independent submitters to the ClinVar database. Given all the evidence, we interpret c.535C>T (p.Arg179*) as pathogenic.

Juno Genomics, Hangzhou Juno Genomics, Inc
Classification: Pathogenic for Hyperornithinemia-hyperammonemia-homocitrullinuria syndrome. Review status: criteria provided, single submitter. Criteria: ACMG Guidelines, 2015. Collection method: clinical testing. Allele origin: germline.
Comment: Absent from controls (or at extremely low frequency if recessive) in Genome Aggregation Database.;Null variant in a gene where loss of function (LOF) is a known mechanism of disease.;For recessive disorders, detected in trans with a pathogenic variant.

OMIM
Classification: Pathogenic for HHH SYNDROME. Last evaluated: 2009-05-01. Review status: no assertion criteria provided. Collection method: literature only. Allele origin: germline. Not counted in ClinVar's aggregate classification.

GeneReviews
No classification provided. Condition: Hyperornithinemia-hyperammonemia-homocitrullinuria syndrome. Review status: no classification provided. Collection method: literature only. Allele origin: germline. Not counted in ClinVar's aggregate classification.

Literature cited by the submitters: PubMed 40665309 (cited by Dasa); PubMed 11355015 (cited by 3 submitters); PubMed 19242930 (cited by 3 submitters); PubMed 10805333 (cited by Dasa and Labcorp Genetics (formerly Invitae), Labcorp); PubMed 12807890 (cited by 3 submitters); PubMed 24473688 (cited by 3 submitters); PubMed 11552031 (cited by Labcorp Genetics (formerly Invitae), Labcorp); PubMed 3407856 (cited by OMIM); PubMed 25874378 (cited by GeneReviews); PubMed 22649802 (cited by GeneReviews).

NM_014252.4(SLC25A15):c.535C>T (p.Arg179Ter)

Gene: SLC25A15 (solute carrier family 25 member 15; plus strand). Cytogenetic location: 13q14.11.
Variant type: single nucleotide variant.
Coding change: c.535C>T on transcript NM_014252.4 (MANE Select); coding-DNA position 535, C replaced by T.
Protein change: p.Arg179Ter; replaces arginine 179 with a stop codon.
Molecular consequence: nonsense.
Genome position (GRCh38, 1-based): chr13:40,807,376, C>T. VCF-style: chr13-40807376-C-T. GRCh37 (hg19) VCF-style: chr13-41381512-C-T.
Other names: short protein forms R179*.
Identifiers: ClinVar variation 5994 (VCV000005994.25), dbSNP rs104894429, ClinGen allele CA340488.